The following is an entry in ClinVar:

NM_007254.4(PNKP):c.1102G>T (p.Val368Phe)

Gene: PNKP (polynucleotide kinase 3'-phosphatase; minus strand). Cytogenetic location: 19q13.33.
Variant type: single nucleotide variant.
Coding change: c.1102G>T on transcript NM_007254.4 (MANE Select); coding-DNA position 1102, G replaced by T.
Protein change: p.Val368Phe; replaces valine 368 with phenylalanine.
Molecular consequence: missense variant.
Genome position (GRCh38, 1-based): chr19:49,862,209, C>A on the plus strand (G>T on the coding strand, the complement: PNKP is on the minus strand). VCF-style: chr19-49862209-C-A. GRCh37 (hg19) VCF-style: chr19-50365466-C-A.
Other names: short protein forms V368F.
Identifiers: ClinVar variation 4531148 (VCV004531148.1).

ClinVar aggregate classification (germline): Uncertain significance (1 of 4 stars; one submission).

gnomAD v4.1: 1 of 1,613,586 alleles (0.000062%); highest among the groups gnomAD compares: Non-Finnish European, 0.000085%; no homozygotes.

Submission:

GeneDx
Classification: Uncertain significance. Last evaluated: 2025-05-23. Review status: criteria provided, single submitter. Criteria: GeneDx Variant Classification Process June 2021. Collection method: clinical testing. Allele origin: germline. Affected: yes.
Comment: Not observed at significant frequency in large population cohorts (gnomAD); In silico analysis supports that this missense variant has a deleterious effect on protein structure/function; Has not been previously published as pathogenic or benign to our knowledge; This variant is associated with the following publications: (PMID: 22508754)